The following is an entry in ClinVar:

NM_000245.4(MET):c.4041G>A (p.Glu1347=)

Gene: MET (MET proto-oncogene, receptor tyrosine kinase; plus strand). Cytogenetic location: 7q31.2.
Variant type: single nucleotide variant.
Coding change: c.4041G>A on transcript NM_000245.4 (MANE Select); coding-DNA position 4041, G replaced by A.
Protein change: p.Glu1347=; no amino-acid change (glutamic acid 1347 retained).
Molecular consequence: synonymous variant.
Genome position (GRCh38, 1-based): chr7:116,795,992, G>A. VCF-style: chr7-116795992-G-A. GRCh37 (hg19) VCF-style: chr7-116436046-G-A.
Other names: c.4095G>A, p.Glu1365= (NM_001127500.3); c.2751G>A, p.Glu917= (NM_001324402.2).
Identifiers: ClinVar variation 3232994 (VCV003232994.2), dbSNP rs1562941622, ClinGen allele CA457462576.

ClinVar aggregate classification (germline): Benign/Likely benign. Review status: criteria provided, multiple submitters, no conflicts (2 of 4 stars). 2 submissions from 2 submitters: Benign (1); Likely benign (1). Last evaluated 2024-11-15.

Conditions:
Hereditary cancer-predisposing syndrome. Also called: Neoplastic Syndromes, Hereditary; Tumor predisposition; Hereditary neoplastic syndrome; Hereditary Cancer Syndrome. Identifiers: Orphanet 140162, MedGen C0027672, MeSH D009386, MONDO:0015356.
Papillary renal cell carcinoma type 1 (RCCP1). Also called: RENAL CELL CARCINOMA, PAPILLARY, 1, SOMATIC; Renal adenocarcinoma; Renal cell carcinoma 1; Renal cell carcinoma, somatic. Identifiers: Orphanet 47044, MedGen C1336839, OMIM 605074, HP:0011797.

Allele frequency attached by ClinVar (database versions not stated): gnomAD exomes below 0.00001.
gnomAD v4.1: 3 of 1,614,128 alleles (0.00019%); highest among the groups gnomAD compares: South Asian, 0.0022%; no homozygotes.

Submissions (2):

Myriad Genetics, Inc.
Classification: Benign for Papillary renal cell carcinoma type 1. Last evaluated: 2024-11-15. Review status: criteria provided, single submitter. Criteria: Myriad Autosomal Dominant, Autosomal Recessive and X-Linked Classification Criteria (2023). Collection method: clinical testing. Allele origin: unknown.
Comment: This variant is considered benign. This variant is a silent/synonymous amino acid change and it is not expected to impact splicing.

Ambry Genetics
Classification: Likely benign for Hereditary cancer-predisposing syndrome. Last evaluated: 2024-01-14. Review status: criteria provided, single submitter. Criteria: Ambry Variant Classification Scheme 2023. Collection method: clinical testing. Allele origin: germline.